The following is an entry in ClinVar:

NM_032447.5(FBN3):c.5911G>A (p.Asp1971Asn)

Gene: FBN3 (fibrillin 3; minus strand). Cytogenetic location: 19p13.2.
Variant type: single nucleotide variant.
Coding change: c.5911G>A on transcript NM_032447.5 (MANE Select); coding-DNA position 5911, G replaced by A.
Protein change: p.Asp1971Asn; replaces aspartic acid 1971 with asparagine.
Molecular consequence: missense variant.
Genome position (GRCh38, 1-based): chr19:8,091,585, C>T on the plus strand (G>A on the coding strand, the complement: FBN3 is on the minus strand). VCF-style: chr19-8091585-C-T. GRCh37 (hg19) VCF-style: chr19-8156469-C-T.
Other names: c.5911G>A, p.Asp1971Asn (NM_001321431.2); short protein forms D1971N.
Identifiers: ClinVar variation 2262747 (VCV002262747.5), dbSNP rs769644980, ClinGen allele CA9151477.
Genomic context (GRCh38, chr19:8,091,585, plus strand): 5'-TCCCAGGGCTGTTGGTACAGGTGCCAAAGAGGCAGAGGTTGGGCTCCTCTGAGCACTCGT[C>T]GATATCTGGAAGGGCAGGGACATGAGCTGGGTGGGGGGCAAGTAGGACCTCCATCAGTGG-3'
Protein context (NP_115823.3, residues 1961-1981): QVQSDHCIDI[Asp1971Asn]ECSEEPNLCL

ClinVar aggregate classification (germline): Uncertain significance. Review status: criteria provided, multiple submitters, no conflicts (2 of 4 stars). 2 submissions from 2 submitters: Uncertain significance (2). Last evaluated 2025-07-21.

Allele frequency attached by ClinVar (database versions not stated): gnomAD exomes 0.00002; ExAC 0.00002.
gnomAD v4.1: 37 of 1,613,866 alleles (0.0023%); highest among the groups gnomAD compares: Non-Finnish European, 0.0031%; no homozygotes.

Submissions (2):

Labcorp Genetics (formerly Invitae), Labcorp
Classification: Uncertain significance. Last evaluated: 2025-07-21. Review status: criteria provided, single submitter. Criteria: Invitae Variant Classification Sherloc (09022015). Collection method: clinical testing. Allele origin: germline.
Comment: This sequence change replaces aspartic acid, which is acidic and polar, with asparagine, which is neutral and polar, at codon 1971 of the FBN3 protein (p.Asp1971Asn). This variant is present in population databases (rs769644980, gnomAD 0.007%). This variant has not been reported in the literature in individuals affected with FBN3-related conditions. ClinVar contains an entry for this variant (Variation ID: 2262747). Invitae Evidence Modeling of protein sequence and biophysical properties (such as structural, functional, and spatial information, amino acid conservation, physicochemical variation, residue mobility, and thermodynamic stability) indicates that this missense variant is not expected to disrupt FBN3 protein function with a negative predictive value of 80%. In summary, the available evidence is currently insufficient to determine the role of this variant in disease. Therefore, it has been classified as a Variant of Uncertain Significance.

Ambry Genetics
Classification: Uncertain significance. Last evaluated: 2024-01-09. Review status: criteria provided, single submitter. Criteria: Ambry Variant Classification Scheme 2023. Collection method: clinical testing. Allele origin: germline.